The following is an entry in ClinVar:

NM_001009944.3(PKD1):c.11510T>G (p.Leu3837Arg)

Genes: PKD1 (polycystin 1, transient receptor potential channel interacting; minus strand), PKD1-AS1 (PKD1 antisense RNA 1; plus strand). Cytogenetic location: 16p13.3.
Variant type: single nucleotide variant.
Coding change: c.11510T>G on transcript NM_001009944.3 (MANE Select); coding-DNA position 11510, T replaced by G.
Protein change: p.Leu3837Arg; replaces leucine 3837 with arginine.
Molecular consequence: missense variant.
Genome position (GRCh38, 1-based): chr16:2,091,808, A>C on the plus strand (T>G on the coding strand, the complement: PKD1 is on the minus strand). VCF-style: chr16-2091808-A-C. GRCh37 (hg19) VCF-style: chr16-2141809-A-C.
Other names: c.11507T>G, p.Leu3836Arg (NM_000296.4); short protein forms L3836R, L3837R.
Identifiers: ClinVar variation 3213427 (VCV003213427.7), dbSNP rs2544619907, ClinGen allele CA394332602.
Genomic context (GRCh38, chr16:2,091,808, plus strand): 5'-CACCCCGGAGAGGGCAGGGGAGGGAGCTCCCACCTGTTGTCCAGCCAGTTGTGCAGCTGC[A>C]GGAAGCGCAGCCGGTCGCGGCTCTCCTCCAGGCTCAGGCCCAGCTCCTGCACGTAGCCCC-3'
Protein context (NP_001009944.3, residues 3827-3847): LEESRDRLRF[Leu3837Arg]QLHNWLDNRS

ClinVar aggregate classification (germline): Conflicting classifications of pathogenicity. Review status: criteria provided, conflicting classifications (1 of 4 stars). 5 submissions from 5 submitters: Likely pathogenic (1); Uncertain significance (4). Last evaluated 2026-07-10.

Conditions:
Inborn genetic diseases. Identifiers: MedGen C0950123, MeSH D030342.
Polycystic kidney disease, adult type (PKD1). Also called: Polycystic Kidney Disease 1, Autosomal Dominant; Polycystic kidney disease 1; Polycystic kidney disease 1, severe; POLYCYSTIC KIDNEY DISEASE, ADULT, TYPE I; Polycystic Kidney, Autosomal Dominant; POLYCYSTIC KIDNEY DISEASE 1 WITH OR WITHOUT POLYCYSTIC LIVER DISEASE. Identifiers: MedGen C3149841, MONDO:0008263, OMIM 173900.
PKD1-related disorder. Also called: PKD1-related condition.

Submissions (5):

GeneDx
Classification: Uncertain significance. Last evaluated: 2026-07-10. Review status: criteria provided, single submitter. Criteria: GeneDx Variant Classification Process June 2021. Collection method: clinical testing. Allele origin: germline.
Comment: Not observed at significant frequency in large population cohorts (gnomAD); In silico analysis supports that this missense variant has a deleterious effect on protein structure/function; Has not been previously published as pathogenic or benign to our knowledge

PreventionGenetics, part of Exact Sciences
Classification: Likely pathogenic for PKD1-related condition. Last evaluated: 2026-03-30. Review status: criteria provided, single submitter. Criteria: ACMG Guidelines, 2015. Collection method: clinical testing. Allele origin: germline.
Comment: The PKD1 c.11510T>G variant is predicted to result in the amino acid substitution p.Leu3837Arg. This variant has been reported in an individual with autosomal dominant polycystic kidney disease (ADPKD) (Supplementary Table S8, Ma et al. 2024. PubMed ID: 38521406). In addition, this variant has been found in two individuals with PKD at PreventionGenetics (internal data) although both individuals have a same but suspected benign missense PKD1 variant additionally. The p.Leu3837 residue is highly conserved. The REVEL (rare exome variant ensemble learner) program predicts this variant is pathogenic at a "strong" level (Ioannidis et al. 2016. PubMed ID: 27666373; Bergquist et al. 2024. PubMed ID: 39345488). Of note, a different substitution at the same codon, defined as c.11510T>C (p.Leu3837Pro), has been reported in two families with individuals affected by ADPKD (Supplementary Table 2, Yu et al. 2022. PubMed ID: 35778421). The c.11510T>G (p.Leu3837Arg) variant has not been reported in a large population database (gnomAD), indicating this variant is rare. Taken together, this variant is interpreted as likely pathogenic.

Women's Health and Genetics/Laboratory Corporation of America, LabCorp
Classification: Uncertain significance. Last evaluated: 2026-03-09. Review status: criteria provided, single submitter. Criteria: LabCorp Variant Classification Summary - May 2015. Collection method: clinical testing. Allele origin: germline.
Comment: Variant summary: PKD1 c.11510T>G (p.Leu3837Arg) results in a non-conservative amino acid change in the encoded protein sequence. Algorithms developed to predict the effect of missense changes on protein structure and function all suggest that this variant is likely to be disruptive. The variant was absent in 236358 control chromosomes. The available data on variant occurrences in the general population are insufficient to allow any conclusion about variant significance. To our knowledge, no occurrence of c.11510T>G in individuals affected with PKD1-related conditions and no experimental evidence demonstrating its impact on protein function have been reported. ClinVar contains an entry for this variant (Variation ID: 3213427). Based on the evidence outlined above, the variant was classified as uncertain significance.

Department of Pathology and Laboratory Medicine, Sinai Health System
Classification: Uncertain significance for Polycystic kidney disease, adult type. Last evaluated: 2024-02-05. Review status: criteria provided, single submitter. Criteria: ACMG Guidelines, 2015. Collection method: clinical testing. Allele origin: germline. Affected: yes.

Ambry Genetics
Classification: Uncertain significance for Inborn genetic diseases. Last evaluated: 2023-12-08. Review status: criteria provided, single submitter. Criteria: Ambry Variant Classification Scheme 2023. Collection method: clinical testing. Allele origin: germline.